The following is an entry in ClinVar:

NM_001386135.1(AFF3):c.1802A>G (p.Asn601Ser)

Gene: AFF3 (ALF transcription elongation factor 3; minus strand). Cytogenetic location: 2q11.2.
Variant type: single nucleotide variant.
Coding change: c.1802A>G on transcript NM_001386135.1 (MANE Select); coding-DNA position 1802, A replaced by G.
Protein change: p.Asn601Ser; replaces asparagine 601 with serine.
Molecular consequence: missense variant.
Genome position (GRCh38, 1-based): chr2:99,593,859, T>C on the plus strand (A>G on the coding strand, the complement: AFF3 is on the minus strand). VCF-style: chr2-99593859-T-C. GRCh37 (hg19) VCF-style: chr2-100210321-T-C.
Other names: c.1877A>G, p.Asn626Ser (NM_001025108.2); c.1802A>G, p.Asn601Ser (NM_002285.3); short protein forms N601S, N626S.
Identifiers: ClinVar variation 5017569 (VCV005017569.1).

ClinVar aggregate classification (germline): Uncertain significance (1 of 4 stars; one submission).

gnomAD v4.1: 5 of 1,582,706 alleles (0.00032%); highest among the groups gnomAD compares: Admixed American, 0.0036%; no homozygotes.

Submission:

GeneDx
Classification: Uncertain significance. Last evaluated: 2026-03-26. Review status: criteria provided, single submitter. Criteria: GeneDx Variant Classification Process June 2021. Collection method: clinical testing. Allele origin: germline.
Comment: In silico analysis suggests that this missense variant does not alter protein structure/function; Has not been previously published as pathogenic or benign to our knowledge